The following is an entry in ClinVar:

ClinVar aggregate classification (germline): Uncertain significance. Review status: criteria provided, multiple submitters, no conflicts (2 of 4 stars). 2 submissions from 2 submitters: Uncertain significance (2). Last evaluated 2025-11-17.

Conditions:
Familial adenomatous polyposis 1 (FAP1). Also called: FAMILIAL ADENOMATOUS POLYPOSIS 1, ATTENUATED; POLYPOSIS, ADENOMATOUS INTESTINAL. Identifiers: MedGen C2713442, MONDO:0021056, OMIM 175100. Disease mechanism: loss of function.
Hereditary cancer-predisposing syndrome. Also called: Hereditary neoplastic syndrome; Tumor predisposition; Neoplastic Syndromes, Hereditary; Hereditary Cancer Syndrome. Identifiers: Orphanet 140162, MedGen C0027672, MeSH D009386, MONDO:0015356.

Submissions (2):

Labcorp Genetics (formerly Invitae), Labcorp
Classification: Uncertain significance for Familial adenomatous polyposis 1. Last evaluated: 2025-11-17. Review status: criteria provided, single submitter. Criteria: Invitae Variant Classification Sherloc (09022015). Collection method: clinical testing. Allele origin: germline.
Comment: This sequence change replaces leucine, which is neutral and non-polar, with valine, which is neutral and non-polar, at codon 356 of the APC protein (p.Leu356Val). This variant is not present in population databases (gnomAD no frequency). This variant has not been reported in the literature in individuals affected with APC-related conditions. ClinVar contains an entry for this variant (Variation ID: 1502348). Invitae Evidence Modeling of protein sequence and biophysical properties (such as structural, functional, and spatial information, amino acid conservation, physicochemical variation, residue mobility, and thermodynamic stability) indicates that this missense variant is not expected to disrupt APC protein function with a negative predictive value of 95%. In summary, the available evidence is currently insufficient to determine the role of this variant in disease. Therefore, it has been classified as a Variant of Uncertain Significance.

Ambry Genetics
Classification: Uncertain significance for Hereditary cancer-predisposing syndrome. Last evaluated: 2025-05-03. Review status: criteria provided, single submitter. Criteria: Ambry Variant Classification Scheme 2023. Collection method: clinical testing. Allele origin: germline.
Comment: The p.L356V variant (also known as c.1066C>G), located in coding exon 9 of the APC gene, results from a C to G substitution at nucleotide position 1066. The leucine at codon 356 is replaced by valine, an amino acid with highly similar properties. This amino acid position is conserved. In addition, in silico predictors for this gene do not accurately predict pathogenicity. Based on the available evidence, the clinical significance of this variant remains unclear.

NM_000038.6(APC):c.1066C>G (p.Leu356Val)

Gene: APC (APC regulator of Wnt signaling pathway; plus strand). Cytogenetic location: 5q22.2.
Variant type: single nucleotide variant.
Coding change: c.1066C>G on transcript NM_000038.6 (MANE Select); coding-DNA position 1066, C replaced by G.
Protein change: p.Leu356Val; replaces leucine 356 with valine.
Molecular consequence: missense variant. On other transcripts: intron variant (4).
Genome position (GRCh38, 1-based): chr5:112,819,098, C>G. VCF-style: chr5-112819098-C-G. GRCh37 (hg19) VCF-style: chr5-112154795-C-G.
Other names: c.1066C>G, p.Leu356Val (NM_001127510.3, NM_001354895.2, NM_001354896.2); c.1012C>G, p.Leu338Val (NM_001127511.3); c.1096C>G, p.Leu366Val (NM_001354897.2); c.991C>G, p.Leu331Val (NM_001354898.2); c.982C>G, p.Leu328Val (NM_001354899.2); c.889C>G, p.Leu297Val (NM_001354900.2, NM_001354901.2); c.217C>G, p.Leu73Val (NM_001354906.2); c.964-171C>G (NM_001354902.2); and 4 more; short protein forms L338V, L366V, L328V, L297V, L331V, L356V, L73V.
Identifiers: ClinVar variation 1502348 (VCV001502348.9), dbSNP rs2149780646, ClinGen allele CA16023644.